The following is an entry in ClinVar:

NM_078480.3(PUF60):c.817+5G>C

Gene: PUF60 (poly(U) binding splicing factor 60; minus strand). Cytogenetic location: 8q24.3.
Variant type: single nucleotide variant.
Coding change: c.817+5G>C on transcript NM_078480.3 (MANE Select); 5 bases into the intron after coding-DNA position 817, G replaced by C.
Molecular consequence: intron variant.
Genome position (GRCh38, 1-based): chr8:143,817,857, C>G on the plus strand (G>C on the coding strand, the complement: PUF60 is on the minus strand). VCF-style: chr8-143817857-C-G. GRCh37 (hg19) VCF-style: chr8-144900027-C-G.
Other names: c.928+5G>C (NM_001362895.2, NM_001362896.2); c.679+5G>C (NM_001271097.2); c.730+5G>C (NM_001271099.2); c.763+5G>C (NM_001271096.2); c.814+5G>C (NM_001271098.2); c.766+5G>C (NM_014281.5); c.637+5G>C (NM_001271100.2); c.688+5G>C (NM_001136033.3); and 1 more.
Identifiers: ClinVar variation 4855344 (VCV004855344.1).

ClinVar aggregate classification (germline): Uncertain significance (1 of 4 stars; one submission).

Conditions:
8q24.3 microdeletion syndrome. Also called: CHROMOSOME 8q24.3 DELETION SYNDROME; Verheij syndrome. Identifiers: Orphanet 508488, MedGen C3810023, MONDO:0014263, OMIM 615583.

Submission:

3billion
Classification: Uncertain significance for 8q24.3 microdeletion syndrome. Last evaluated: 2025-05-27. Review status: criteria provided, single submitter. Criteria: ACMG Guidelines, 2015. Collection method: clinical testing. Allele origin: germline. Affected: yes.
Comment: The variant is not observed in the gnomAD v4.1.0 dataset. Predicted Consequence/Location: Intron variant In silico tools predict the variant to alter splicing and produce an abnormal transcript [SpliceAI: 0.70 (>=0.2, moderate evidence for spliceogenicity)]. Therefore, this variant is classified as VUS according to the recommendation of ACMG/AMP guideline.